The following is an entry in ClinVar:

ClinVar aggregate classification (germline): Benign. Review status: criteria provided, multiple submitters, no conflicts (2 of 4 stars). 2 submissions from 2 submitters: Benign (2). Last evaluated 2023-11-12.

Submissions (2):

Unidad de Genómica Garrahan, Hospital de Pediatría Garrahan
Classification: Benign. Last evaluated: 2023-11-12. Review status: criteria provided, single submitter. Criteria: ACMG Guidelines, 2015. Collection method: clinical testing. Allele origin: germline. Affected: no. Observed: 26 variant alleles.
Comment: This variant is classified as Benign based on local population frequency. This variant was detected in 27% of patients studied by a panel of primary immunodeficiencies. Number of patients: 26. Only high quality variants are reported.

GeneDx
Classification: Benign. Last evaluated: 2018-06-16. Review status: criteria provided, single submitter. Criteria: GeneDx Variant Classification Process June 2021. Collection method: clinical testing. Allele origin: germline. Affected: yes.

NM_003331.5(TYK2):c.2175+100GTTT[3]

Gene: TYK2 (tyrosine kinase 2; minus strand). Cytogenetic location: 19p13.2.
Variant type: Microsatellite.
Coding change: c.2175+100GTTT[3] on transcript NM_003331.5 (MANE Select); three copies in a row of the 4-base unit GTTT starting at c.2175+100; the reference has two copies in a row; one copy, 4 bases duplicated.
Molecular consequence: intron variant.
Genome position (GRCh38, 1-based): chr19:10,359,068-10,359,071, AAAC duplicated on the plus strand (GTTT on the coding strand, the reverse complement: TYK2 is on the minus strand); duplicating any 4 consecutive bases within chr19:10,359,068-10,359,078 gives the same sequence; the position shown is the placement nearest the transcript's 3' end. VCF-style (leftmost placement, unchanged base first): chr19-10359067-A-AAAAC. GRCh37 (hg19) VCF-style: chr19-10469743-A-AAAAC.
Other names: c.1989+100GTTT[3] (NM_001385199.1); c.2085+100GTTT[3] (NM_001385205.1); c.1977+100GTTT[3] (NM_001385201.1); c.2049+100GTTT[3] (NM_001385206.1); c.2157+100GTTT[3] (NM_001385207.1); c.2091+100GTTT[3] (NM_001385202.1); c.2175+100GTTT[3] (NM_001385200.1, NM_001385198.1, NM_001385197.1 and 2 more transcripts).
Identifiers: ClinVar variation 1273958 (VCV001273958.3), dbSNP rs143429818, ClinGen allele CA305198901.